The following is an entry in ClinVar:

NM_004793.4(LONP1):c.1014C>T (p.Leu338=)

Gene: LONP1 (lon peptidase 1, mitochondrial; minus strand). Cytogenetic location: 19p13.3.
Variant type: single nucleotide variant.
Coding change: c.1014C>T on transcript NM_004793.4 (MANE Select); coding-DNA position 1014, C replaced by T.
Protein change: p.Leu338=; no amino-acid change (leucine 338 retained).
Molecular consequence: synonymous variant. On other transcripts: non-coding transcript variant (1).
Genome position (GRCh38, 1-based): chr19:5,707,745, G>A on the plus strand (C>T on the coding strand, the complement: LONP1 is on the minus strand). VCF-style: chr19-5707745-G-A. GRCh37 (hg19) VCF-style: chr19-5707756-G-A.
Other names: c.822C>T, p.Leu274= (NM_001276479.2); c.426C>T, p.Leu142= (NM_001276480.1).
Identifiers: ClinVar variation 712229 (VCV000712229.22), dbSNP rs138945274, ClinGen allele CA9114874.
Genomic context (GRCh38, chr19:5,707,745, plus strand): 5'-ACGAGCACTCACATTGGTCTCTTCCAGGACGTCCTGCAGCTCATGGGACTCGGCCCCGGT[G>A]AGCGCGGCGCCCATGTCGCTCAGGTAGATGGGGTTGTCCACCACCCGCTGGCCAGCCTGC-3'
Protein context (NP_004784.2, residues 328-348): PIYLSDMGAA[Leu338=]TGAESHELQD

ClinVar aggregate classification (germline): Benign/Likely benign. Review status: criteria provided, multiple submitters, no conflicts (2 of 4 stars). 5 submissions from 5 submitters: Benign (1); Likely benign (4). Last evaluated 2025-12-03.

Allele frequency attached by ClinVar (database versions not stated): gnomAD exomes 0.00014 and 0.00038; ExAC 0.00053; gnomAD 0.00156 and 0.00165; ESP Exome Variant Server 0.00169; TOPMed 0.00170; 1000 Genomes Project 0.00200; 1000 Genomes Project 30x 0.00234.
gnomAD v4.1: 449 of 1,613,304 alleles (0.028%); highest among the groups gnomAD compares: African/African-American, 0.55%; 2 homozygotes.

Submissions (5):

Labcorp Genetics (formerly Invitae), Labcorp
Classification: Benign. Last evaluated: 2025-12-03. Review status: criteria provided, single submitter. Criteria: Invitae Variant Classification Sherloc (09022015). Collection method: clinical testing. Allele origin: germline.

Women's Health and Genetics/Laboratory Corporation of America, LabCorp
Classification: Likely benign. Last evaluated: 2025-10-06. Review status: criteria provided, single submitter. Criteria: LabCorp Variant Classification Summary - May 2015. Collection method: clinical testing. Allele origin: germline.

CeGaT Center for Human Genetics Tuebingen
Classification: Likely benign. Last evaluated: 2025-06-01. Review status: criteria provided, single submitter. Criteria: CeGaT Center For Human Genetics Tuebingen Variant Classification Criteria Version 2. Collection method: clinical testing. Allele origin: germline. Affected: yes. Observed: 1 variant allele.
Comment: LONP1: BP4, BP7

Blueprint Genetics
Classification: Likely benign. Last evaluated: 2024-05-13. Review status: criteria provided, single submitter. Criteria: ACMG Guidelines, 2015. Collection method: clinical testing. Allele origin: germline.

GeneDx
Classification: Likely benign. Last evaluated: 2020-01-30. Review status: criteria provided, single submitter. Criteria: GeneDx Variant Classification Process June 2021. Collection method: clinical testing. Allele origin: germline. Affected: yes.